The following is an entry in ClinVar:

ClinVar aggregate classification (germline): Uncertain significance (1 of 4 stars; one submission).

Conditions:
Hereditary cancer-predisposing syndrome. Also called: Tumor predisposition; Hereditary Cancer Syndrome; Neoplastic Syndromes, Hereditary; Hereditary neoplastic syndrome. Identifiers: Orphanet 140162, MedGen C0027672, MeSH D009386, MONDO:0015356.

Submission:

Color Diagnostics, LLC DBA Color Health
Classification: Uncertain significance for Hereditary cancer-predisposing syndrome. Last evaluated: 2024-03-07. Review status: criteria provided, single submitter. Criteria: ACMG Guidelines, 2015. Collection method: clinical testing. Allele origin: germline.
Comment: This missense variant replaces serine with glycine at codon 565 of the PALB2 protein. Computational prediction suggests that this variant may not impact protein structure and function (internally defined REVEL score threshold <= 0.5, PMID: 27666373). To our knowledge, functional studies have not been reported for this variant. This variant has not been reported in individuals affected with hereditary cancer in the literature. This variant has not been identified in the general population by the Genome Aggregation Database (gnomAD). The available evidence is insufficient to determine the role of this variant in disease conclusively. Therefore, this variant is classified as a Variant of Uncertain Significance.

NM_024675.4(PALB2):c.1693A>G (p.Ser565Gly)

Gene: PALB2 (partner and localizer of BRCA2; minus strand). Cytogenetic location: 16p12.2.
Variant type: single nucleotide variant.
Coding change: c.1693A>G on transcript NM_024675.4 (MANE Select); coding-DNA position 1693, A replaced by G.
Protein change: p.Ser565Gly; replaces serine 565 with glycine.
Molecular consequence: missense variant.
Genome position (GRCh38, 1-based): chr16:23,630,461, T>C on the plus strand (A>G on the coding strand, the complement: PALB2 is on the minus strand). VCF-style: chr16-23630461-T-C. GRCh37 (hg19) VCF-style: chr16-23641782-T-C.
Other names: short protein forms S565G.
Identifiers: ClinVar variation 1331807 (VCV001331807.3), dbSNP rs2142391276, ClinGen allele CA395128468.